The following is an entry in ClinVar:

ClinVar aggregate classification (germline): Uncertain significance (1 of 4 stars; one submission).

gnomAD v4.1: 10 of 1,584,288 alleles (0.00063%); highest among the groups gnomAD compares: South Asian, 0.0088%; no homozygotes.

Submission:

Labcorp Genetics (formerly Invitae), Labcorp
Classification: Uncertain significance. Last evaluated: 2024-11-05. Review status: criteria provided, single submitter. Criteria: Invitae Variant Classification Sherloc (09022015). Collection method: clinical testing. Allele origin: germline.
Comment: This sequence change falls in intron 7 of the LEMD3 gene. It does not directly change the encoded amino acid sequence of the LEMD3 protein. It affects a nucleotide within the consensus splice site. This variant is present in population databases (rs773725716, gnomAD 0.01%). This variant has not been reported in the literature in individuals affected with LEMD3-related conditions. Variants that disrupt the consensus splice site are a relatively common cause of aberrant splicing (PMID: 17576681, 9536098). Algorithms developed to predict the effect of sequence changes on RNA splicing suggest that this variant is not likely to affect RNA splicing. In summary, the available evidence is currently insufficient to determine the role of this variant in disease. Therefore, it has been classified as a Variant of Uncertain Significance.

Literature cited by the submitters: PubMed 17576681; PubMed 9536098.

NM_014319.5(LEMD3):c.2023+6A>G

Gene: LEMD3 (LEM domain containing 3; plus strand). Cytogenetic location: 12q14.3.
Variant type: single nucleotide variant.
Coding change: c.2023+6A>G on transcript NM_014319.5 (MANE Select); 6 bases into the intron after coding-DNA position 2023, A replaced by G.
Molecular consequence: intron variant.
Genome position (GRCh38, 1-based): chr12:65,240,036, A>G. VCF-style: chr12-65240036-A-G. GRCh37 (hg19) VCF-style: chr12-65633816-A-G.
Other names: c.2020+6A>G (NM_001167614.2).
Identifiers: ClinVar variation 3687993 (VCV003687993.2).